The following is an entry in ClinVar:

ClinVar aggregate classification (germline): Uncertain significance (1 of 4 stars; one submission).

Conditions:
Chédiak-Higashi syndrome (CHS). Also called: Chediak-Higashi Syndrome. Identifiers: Orphanet 167, MedGen C0007965, MONDO:0008963, OMIM 214500.

Submission:

Labcorp Genetics (formerly Invitae), Labcorp
Classification: Uncertain significance for Chédiak-Higashi syndrome. Last evaluated: 2024-10-12. Review status: criteria provided, single submitter. Criteria: Invitae Variant Classification Sherloc (09022015). Collection method: clinical testing. Allele origin: germline.
Comment: This sequence change replaces asparagine, which is neutral and polar, with aspartic acid, which is acidic and polar, at codon 2615 of the LYST protein (p.Asn2615Asp). This variant is not present in population databases (gnomAD no frequency). This variant has not been reported in the literature in individuals affected with LYST-related conditions. ClinVar contains an entry for this variant (Variation ID: 1461630). Invitae Evidence Modeling of protein sequence and biophysical properties (such as structural, functional, and spatial information, amino acid conservation, physicochemical variation, residue mobility, and thermodynamic stability) indicates that this missense variant is not expected to disrupt LYST protein function with a negative predictive value of 80%. In summary, the available evidence is currently insufficient to determine the role of this variant in disease. Therefore, it has been classified as a Variant of Uncertain Significance.

NM_000081.4(LYST):c.7843A>G (p.Asn2615Asp)

Gene: LYST (lysosomal trafficking regulator; minus strand). Cytogenetic location: 1q42.3.
Variant type: single nucleotide variant.
Coding change: c.7843A>G on transcript NM_000081.4 (MANE Select); coding-DNA position 7843, A replaced by G.
Protein change: p.Asn2615Asp; replaces asparagine 2615 with aspartic acid.
Molecular consequence: missense variant.
Genome position (GRCh38, 1-based): chr1:235,746,465, T>C on the plus strand (A>G on the coding strand, the complement: LYST is on the minus strand). VCF-style: chr1-235746465-T-C. GRCh37 (hg19) VCF-style: chr1-235909765-T-C.
Other names: c.7843A>G, p.Asn2615Asp (NM_001301365.1); short protein forms N2615D.
Identifiers: ClinVar variation 1461630 (VCV001461630.6), dbSNP rs2527668020, ClinGen allele CA344927610.